The following is an entry in ClinVar:

ClinVar aggregate classification (germline): Uncertain significance (1 of 4 stars; one submission).

gnomAD v4.1: 2 of 1,613,110 alleles (0.00012%); highest among the groups gnomAD compares: South Asian, 0.0022%; no homozygotes.

Submission:

Ambry Genetics
Classification: Uncertain significance. Last evaluated: 2024-03-23. Review status: criteria provided, single submitter. Criteria: Ambry Variant Classification Scheme 2023. Collection method: clinical testing. Allele origin: germline.
Comment: The p.A431D variant (also known as c.1292C>A), located in coding exon 9 of the POLQ gene, results from a C to A substitution at nucleotide position 1292. The alanine at codon 431 is replaced by aspartic acid, an amino acid with dissimilar properties. This amino acid position is conserved. In addition, the in silico prediction for this alteration is inconclusive. Based on the available evidence, the clinical significance of this alteration remains unclear.

NM_199420.4(POLQ):c.1292C>A (p.Ala431Asp)

Gene: POLQ (DNA polymerase theta; minus strand). Cytogenetic location: 3q13.33.
Variant type: single nucleotide variant.
Coding change: c.1292C>A on transcript NM_199420.4 (MANE Select); coding-DNA position 1292, C replaced by A.
Protein change: p.Ala431Asp; replaces alanine 431 with aspartic acid.
Molecular consequence: missense variant.
Genome position (GRCh38, 1-based): chr3:121,520,047, G>T on the plus strand (C>A on the coding strand, the complement: POLQ is on the minus strand). VCF-style: chr3-121520047-G-T. GRCh37 (hg19) VCF-style: chr3-121238894-G-T.
Other names: short protein forms A431D.
Identifiers: ClinVar variation 3308602 (VCV003308602.1).